The following is an entry in ClinVar:

ClinVar aggregate classification (germline): Uncertain significance. Review status: criteria provided, multiple submitters, no conflicts (2 of 4 stars). 4 submissions from 4 submitters: Uncertain significance (4). Last evaluated 2025-10-02.

Conditions:
Fanconi anemia complementation group J. Also called: BRIP1-Related Fanconi Anemia. Identifiers: Orphanet 84, MedGen C1836860, MONDO:0012187, OMIM 609054.
Familial cancer of breast. Also called: hereditary breast carcinoma; BREAST CANCER, FAMILIAL; Hereditary breast cancer. Identifiers: Orphanet 227535, MedGen C0346153, MONDO:0016419, OMIM 114480. Disease mechanism: loss of function.
Hereditary cancer-predisposing syndrome. Also called: Tumor predisposition; Hereditary Cancer Syndrome; Hereditary neoplastic syndrome; Neoplastic Syndromes, Hereditary. Identifiers: Orphanet 140162, MedGen C0027672, MeSH D009386, MONDO:0015356.

gnomAD v4.1: 6 of 1,614,012 alleles (0.00037%); highest among the groups gnomAD compares: Non-Finnish European, 0.00051%; no homozygotes.

Submissions (4):

Ambry Genetics
Classification: Uncertain significance for Hereditary cancer-predisposing syndrome. Last evaluated: 2025-10-02. Review status: criteria provided, single submitter. Criteria: Ambry Variant Classification Scheme 2023. Collection method: clinical testing. Allele origin: germline.
Comment: The p.R106S variant (also known as c.316C>A), located in coding exon 3 of the BRIP1 gene, results from a C to A substitution at nucleotide position 316. The arginine at codon 106 is replaced by serine, an amino acid with dissimilar properties. This amino acid position is poorly conserved in available vertebrate species. In addition, this alteration is predicted to be tolerated by in silico analysis. Since supporting evidence is limited at this time, the clinical significance of this alteration remains unclear.

Labcorp Genetics (formerly Invitae), Labcorp
Classification: Uncertain significance for Familial cancer of breast; Fanconi anemia complementation group J. Last evaluated: 2024-08-28. Review status: criteria provided, single submitter. Criteria: Invitae Variant Classification Sherloc (09022015). Collection method: clinical testing. Allele origin: germline.
Comment: This sequence change replaces arginine, which is basic and polar, with serine, which is neutral and polar, at codon 106 of the BRIP1 protein (p.Arg106Ser). This variant is not present in population databases (gnomAD no frequency). This variant has not been reported in the literature in individuals affected with BRIP1-related conditions. ClinVar contains an entry for this variant (Variation ID: 234737). Invitae Evidence Modeling of protein sequence and biophysical properties (such as structural, functional, and spatial information, amino acid conservation, physicochemical variation, residue mobility, and thermodynamic stability) indicates that this missense variant is not expected to disrupt BRIP1 protein function with a negative predictive value of 80%. In summary, the available evidence is currently insufficient to determine the role of this variant in disease. Therefore, it has been classified as a Variant of Uncertain Significance.

Baylor Genetics
Classification: Uncertain significance for Familial cancer of breast. Last evaluated: 2023-08-08. Review status: criteria provided, single submitter. Criteria: ACMG Guidelines, 2015. Collection method: clinical testing. Allele origin: unknown.

GeneDx
Classification: Uncertain significance. Last evaluated: 2015-12-30. Review status: criteria provided, single submitter. Criteria: GeneDx Variant Classification (06012015). Collection method: clinical testing. Allele origin: germline. Affected: yes.
Comment: This variant is denoted BRIP1 c.316C>A at the cDNA level, p.Arg106Ser (R106S) at the protein level, and results in the change of an Arginine to a Serine (CGT>AGT). This variant has not, to our knowledge, been published in the literature as pathogenic or benign. BRIP1 Arg106Ser was not observed in approximately 6,500 individuals of European and African American ancestry in the NHLBI Exome Sequencing Project, suggesting it is not a common benign variant in these populations. Since Arginine and Serine differ in some properties, this is considered a semi-conservative amino acid substitution. BRIP1 Arg106Ser occurs at a position that is not conserved and is located in the helicase domain (Cantor 2011). In silico analyses are inconsistent regarding the effect this variant may have on protein structure and function. Based on currently available evidence, it is unclear whether BRIP1 Arg106Ser is a pathogenic or benign variant. We consider it to be a variant of uncertain significance.

NM_032043.3(BRIP1):c.316C>A (p.Arg106Ser)

Gene: BRIP1 (BRCA1 interacting DNA helicase 1; minus strand). Cytogenetic location: 17q23.2.
Variant type: single nucleotide variant.
Coding change: c.316C>A on transcript NM_032043.3 (MANE Select); coding-DNA position 316, C replaced by A.
Protein change: p.Arg106Ser; replaces arginine 106 with serine.
Molecular consequence: missense variant.
Genome position (GRCh38, 1-based): chr17:61,857,121, G>T on the plus strand (C>A on the coding strand, the complement: BRIP1 is on the minus strand). VCF-style: chr17-61857121-G-T. GRCh37 (hg19) VCF-style: chr17-59934482-G-T.
Other names: short protein forms R106S.
Identifiers: ClinVar variation 234737 (VCV000234737.15), dbSNP rs587780247, ClinGen allele CA10577565.
Genomic context (GRCh38, chr17:61,857,121, plus strand): 5'-GACAAGTTGATGAAGTGCCATTTCTTTCAGAAGGTGGTGTGCTTGGATAGTTGAAATGAC[G>T]TGAAGTTCCTTGGTTCATGTCATTGTTTGTAAAATCCTTTGAATGGCATGCACAACAACA-3'
Protein context (NP_114432.2, residues 96-116): TNNDMNQGTS[Arg106Ser]HFNYPSTPPS